The following is an entry in ClinVar:

ClinVar aggregate classification (germline): Uncertain significance (1 of 4 stars; one submission).

Conditions:
Cardiovascular phenotype. Identifiers: MedGen CN230736.

gnomAD v4.1: 1 of 1,608,580 alleles (0.000062%); highest among the groups gnomAD compares: South Asian, 0.0011%; no homozygotes.

Submission:

Ambry Genetics
Classification: Uncertain significance for Cardiovascular phenotype. Last evaluated: 2026-07-04. Review status: criteria provided, single submitter. Criteria: Ambry Variant Classification Scheme 2023. Collection method: clinical testing. Allele origin: germline.
Comment: The p.E583G variant (also known as c.1748A>G), located in coding exon 2 of the TNXB gene, results from an A to G substitution at nucleotide position 1748. The glutamic acid at codon 583 is replaced by glycine, an amino acid with similar properties. This amino acid position is conserved. In addition, this alteration is predicted to be tolerated by in silico analysis. Based on the available evidence, the clinical significance of this variant remains unclear.

NM_001365276.2(TNXB):c.1748A>G (p.Glu583Gly)

Gene: TNXB (tenascin XB; minus strand). Cytogenetic location: 6p21.33.
Variant type: single nucleotide variant.
Coding change: c.1748A>G on transcript NM_001365276.2 (MANE Select); coding-DNA position 1748, A replaced by G.
Protein change: p.Glu583Gly; replaces glutamic acid 583 with glycine.
Molecular consequence: missense variant.
Genome position (GRCh38, 1-based): chr6:32,096,105, T>C on the plus strand (A>G on the coding strand, the complement: TNXB is on the minus strand). VCF-style: chr6-32096105-T-C. GRCh37 (hg19) VCF-style: chr6-32063882-T-C.
Other names: c.1748A>G, p.Glu583Gly (NM_001428335.1, NM_019105.8); short protein forms E583G.
Identifiers: ClinVar variation 5031015 (VCV005031015.1).